The following is an entry in ClinVar:

ClinVar aggregate classification (germline): Uncertain significance (1 of 4 stars; one submission).

Conditions:
Developmental and epileptic encephalopathy, 33 (DEE33). Also called: Epileptic encephalopathy, early infantile, 33. Identifiers: Orphanet 442835, MedGen C4225337, MONDO:0014625, OMIM 616409.

Submission:

Labcorp Genetics (formerly Invitae), Labcorp
Classification: Uncertain significance for Developmental and epileptic encephalopathy, 33. Last evaluated: 2024-06-04. Review status: criteria provided, single submitter. Criteria: Invitae Variant Classification Sherloc (09022015). Collection method: clinical testing. Allele origin: germline.
Comment: This sequence change replaces aspartic acid, which is acidic and polar, with asparagine, which is neutral and polar, at codon 389 of the EEF1A2 protein (p.Asp389Asn). This variant is not present in population databases (gnomAD no frequency). This variant has not been reported in the literature in individuals affected with EEF1A2-related conditions. ClinVar contains an entry for this variant (Variation ID: 567322). Advanced modeling of protein sequence and biophysical properties (such as structural, functional, and spatial information, amino acid conservation, physicochemical variation, residue mobility, and thermodynamic stability) performed at Invitae indicates that this missense variant is not expected to disrupt EEF1A2 protein function with a negative predictive value of 80%. In summary, the available evidence is currently insufficient to determine the role of this variant in disease. Therefore, it has been classified as a Variant of Uncertain Significance.

NM_001958.5(EEF1A2):c.1165G>A (p.Asp389Asn)

Gene: EEF1A2 (eukaryotic translation elongation factor 1 alpha 2; minus strand). Cytogenetic location: 20q13.33.
Variant type: single nucleotide variant.
Coding change: c.1165G>A on transcript NM_001958.5 (MANE Select); coding-DNA position 1165, G replaced by A.
Protein change: p.Asp389Asn; replaces aspartic acid 389 with asparagine.
Molecular consequence: missense variant.
Genome position (GRCh38, 1-based): chr20:63,489,017, C>T on the plus strand (G>A on the coding strand, the complement: EEF1A2 is on the minus strand). VCF-style: chr20-63489017-C-T. GRCh37 (hg19) VCF-style: chr20-62120370-C-T.
Other names: short protein forms D389N.
Identifiers: ClinVar variation 567322 (VCV000567322.9), dbSNP rs1568994517, ClinGen allele CA409644434.